The following is an entry in ClinVar:

NM_014874.4(MFN2):c.2037C>G (p.Tyr679Ter)

Gene: MFN2 (mitofusin 2; plus strand). Cytogenetic location: 1p36.22.
Variant type: single nucleotide variant.
Coding change: c.2037C>G on transcript NM_014874.4 (MANE Select); coding-DNA position 2037, C replaced by G.
Protein change: p.Tyr679Ter; replaces tyrosine 679 with a stop codon.
Molecular consequence: nonsense.
Genome position (GRCh38, 1-based): chr1:12,007,217, C>G. VCF-style: chr1-12007217-C-G. GRCh37 (hg19) VCF-style: chr1-12067274-C-G.
Other names: c.2037C>G, p.Tyr679Ter (NM_001127660.2); short protein forms Y679*.
Identifiers: ClinVar variation 637064 (VCV000637064.10), dbSNP rs1569871830, ClinGen allele CA338451655.
Genomic context (GRCh38, chr1:12,007,217, plus strand): 5'-GGCCTTCAAGCGCCAGTTTGTGGAGCATGCCAGCGAGAAGCTGCAGCTTGTCATCAGCTA[C>G]ACTGGCTCCAACTGCAGCCACCAAGTCCAGCAGTGAGTGGCCCTGTCGGACCCCAGCAGG-3'

ClinVar aggregate classification (germline): Pathogenic. Review status: criteria provided, single submitter (1 of 4 stars). 2 submissions from 2 submitters: Pathogenic (1). 1 of the submissions does not count toward it. Last evaluated 2023-06-30.

Conditions:
Charcot-Marie-Tooth disease type 2. Also called: Charcot-Marie-Tooth type 2. Identifiers: Orphanet 64746, MedGen C0270914, MONDO:0018993.
Charcot-Marie-Tooth disease. Also called: Charcot-Marie-Tooth Neuropathy; Charcot-Marie-Tooth Hereditary Neuropathy. Identifiers: Orphanet 166, MedGen C0007959, MONDO:0015626.

Allele frequency attached by ClinVar (database versions not stated): gnomAD exomes below 0.00001.

Submissions (2):

Labcorp Genetics (formerly Invitae), Labcorp
Classification: Pathogenic for Charcot-Marie-Tooth disease type 2. Last evaluated: 2023-06-30. Review status: criteria provided, single submitter. Criteria: Invitae Variant Classification Sherloc (09022015). Collection method: clinical testing. Allele origin: germline.
Comment: For these reasons, this variant has been classified as Pathogenic. ClinVar contains an entry for this variant (Variation ID: 637064). This premature translational stop signal has been observed in individual(s) with clinical features of MFN2-related conditions (PMID: 25614874). This variant is not present in population databases (gnomAD no frequency). This sequence change creates a premature translational stop signal (p.Tyr679*) in the MFN2 gene. It is expected to result in an absent or disrupted protein product. Loss-of-function variants in MFN2 are known to be pathogenic (PMID: 16714318, 16835246, 21715711, 23781337, 26955893).

Inherited Neuropathy Consortium
Classification: Pathogenic for Charcot-Marie-Tooth disease. Review status: no assertion criteria provided. Collection method: literature only. Allele origin: germline. Affected: yes. Not counted in ClinVar's aggregate classification.

Literature cited by the submitters: PubMed 25614874 (cited by Labcorp Genetics (formerly Invitae), Labcorp and Inherited Neuropathy Consortium); PubMed 16714318 (cited by Labcorp Genetics (formerly Invitae), Labcorp); PubMed 16835246 (cited by Labcorp Genetics (formerly Invitae), Labcorp); PubMed 21715711 (cited by Labcorp Genetics (formerly Invitae), Labcorp); PubMed 23781337 (cited by Labcorp Genetics (formerly Invitae), Labcorp); PubMed 26955893 (cited by Labcorp Genetics (formerly Invitae), Labcorp).